The following is an entry in ClinVar:

NM_002303.6(LEPR):c.2597+9C>T

Gene: LEPR (leptin receptor; plus strand). Cytogenetic location: 1p31.3.
Variant type: single nucleotide variant.
Coding change: c.2597+9C>T on transcript NM_002303.6 (MANE Select); 9 bases into the intron after coding-DNA position 2597, C replaced by T.
Molecular consequence: intron variant.
Genome position (GRCh38, 1-based): chr1:65,621,467, C>T. VCF-style: chr1-65621467-C-T. GRCh37 (hg19) VCF-style: chr1-66087150-C-T.
Other names: c.2597+9C>T (NM_001003679.3, NM_001003680.3, NM_001198689.2 and 2 more transcripts).
Identifiers: ClinVar variation 3053949 (VCV003053949.2), dbSNP rs531126572, ClinGen allele CA895043.

ClinVar aggregate classification (germline): Likely benign (0 of 4 stars; one submission).

Conditions:
LEPR-related disorder. Also called: LEPR-related disorders; LEPR-related condition.

Allele frequency attached by ClinVar (database versions not stated): gnomAD 0.00002; ExAC 0.00003; 1000 Genomes Project 30x 0.00047; 1000 Genomes Project 0.00060.
gnomAD v4.1: 15 of 1,607,896 alleles (0.00093%); highest among the groups gnomAD compares: South Asian, 0.0099%; no homozygotes.

Submission:

PreventionGenetics, part of Exact Sciences
Classification: Likely benign for LEPR-related condition. Last evaluated: 2023-04-20. Review status: no assertion criteria provided. Collection method: clinical testing. Allele origin: germline.
Comment: This variant is classified as likely benign based on ACMG/AMP sequence variant interpretation guidelines (Richards et al. 2015 PMID: 25741868, with internal and published modifications).